The following is an entry in ClinVar:

ClinVar aggregate classification (germline): Uncertain significance. Review status: criteria provided, multiple submitters, no conflicts (2 of 4 stars). 2 submissions from 2 submitters: Uncertain significance (2). Last evaluated 2023-04-30.

Conditions:
Inborn genetic diseases. Identifiers: MedGen C0950123, MeSH D030342.

Submissions (2):

GeneDx
Classification: Uncertain significance. Last evaluated: 2023-04-30. Review status: criteria provided, single submitter. Criteria: GeneDx Variant Classification Process June 2021. Collection method: clinical testing. Allele origin: germline. Affected: yes.
Comment: Not observed at significant frequency in large population cohorts (gnomAD); In silico analysis supports that this missense variant does not alter protein structure/function; Has not been previously published as pathogenic or benign to our knowledge

Ambry Genetics
Classification: Uncertain significance for Inborn genetic diseases. Last evaluated: 2021-07-13. Review status: criteria provided, single submitter. Criteria: Ambry Variant Classification Scheme 2023. Collection method: clinical testing. Allele origin: germline.

NM_001395656.1(ROBO2):c.3576A>C (p.Gln1192His)

Gene: ROBO2 (roundabout guidance receptor 2; plus strand). Cytogenetic location: 3p12.3.
Variant type: single nucleotide variant.
Coding change: c.3576A>C on transcript NM_001395656.1 (MANE Select); coding-DNA position 3576, A replaced by C.
Protein change: p.Gln1192His; replaces glutamine 1192 with histidine.
Molecular consequence: missense variant.
Genome position (GRCh38, 1-based): chr3:77,622,236, A>C. VCF-style: chr3-77622236-A-C. GRCh37 (hg19) VCF-style: chr3-77671387-A-C.
Other names: c.3624A>C, p.Gln1208His (NM_001378203.1, NM_001378190.1, NM_001378200.1 and 1 more transcripts); c.3759A>C, p.Gln1253His (NM_001394212.1, NM_001395657.1); c.3771A>C, p.Gln1257His (NM_001394213.1); c.3633A>C, p.Gln1211His (NM_001394214.1); c.3564A>C, p.Gln1188His (NM_002942.5, NM_001378193.1); c.3612A>C, p.Gln1204His (NM_001128929.3); c.3576A>C, p.Gln1192His (NM_001290039.2, NM_001290040.2); c.1785A>C, p.Gln595His (NM_001290065.2); and 5 more; short protein forms Q1189H, Q1208H, Q1211H, Q595H, Q1204H, Q1215H, Q1250H, Q1253H.
Identifiers: ClinVar variation 2236757 (VCV002236757.3), dbSNP rs773278786, ClinGen allele CA353532119.